The following is an entry in ClinVar:

NM_004360.5(CDH1):c.1757C>T (p.Ser586Phe)

Gene: CDH1 (cadherin 1; plus strand). Cytogenetic location: 16q22.1.
Variant type: single nucleotide variant.
Coding change: c.1757C>T on transcript NM_004360.5 (MANE Select); coding-DNA position 1757, C replaced by T.
Protein change: p.Ser586Phe; replaces serine 586 with phenylalanine.
Molecular consequence: missense variant. On other transcripts: 5 prime UTR variant (1).
Genome position (GRCh38, 1-based): chr16:68,822,046, C>T. VCF-style: chr16-68822046-C-T. GRCh37 (hg19) VCF-style: chr16-68855949-C-T.
Other names: c.1757C>T (LRG_301t1); c.1574C>T, p.Ser525Phe (NM_001317184.2); c.209C>T, p.Ser70Phe (NM_001317185.2); c.-209C>T (NM_001317186.2); short protein forms S586F, S525F, S70F.
Identifiers: ClinVar variation 220604 (VCV000220604.11), dbSNP rs864622599, ClinGen allele CA349411.
Genomic context (GRCh38, chr16:68,822,046, plus strand): 5'-TGTATTTTCTCTTAGGTTCTCCAGTTGCTACTGGAACAGGGACACTTCTGCTGATCCTGT[C>T]TGATGTGAATGACAACGCCCCCATACCAGAACCTCGAACTATATTCTTCTGTGAGAGGAA-3'
Protein context (NP_004351.1, residues 576-596): TGTGTLLLIL[Ser586Phe]DVNDNAPIPE

ClinVar aggregate classification (germline): Conflicting classifications of pathogenicity. Review status: criteria provided, conflicting classifications (1 of 4 stars). 2 submissions from 2 submitters: Uncertain significance (1); Likely benign (1). Last evaluated 2026-06-22.

Conditions:
Hereditary cancer-predisposing syndrome. Also called: Tumor predisposition; Neoplastic Syndromes, Hereditary; Hereditary Cancer Syndrome; Hereditary neoplastic syndrome. Identifiers: Orphanet 140162, MedGen C0027672, MeSH D009386, MONDO:0015356.
Hereditary diffuse gastric adenocarcinoma (HDGC). Also called: DIFFUSE GASTRIC AND LOBULAR BREAST CANCER SYNDROME. Identifiers: Orphanet 26106, MedGen C1708349, MONDO:0007648, OMIM 137215.

Allele frequency attached by ClinVar (database versions not stated): TOPMed 0.00001; gnomAD 0.00001.
gnomAD v4.1: 1 of 1,614,038 alleles (0.000062%); highest among the groups gnomAD compares: African/African-American, 0.0013%; no homozygotes.

Submissions (2):

Ambry Genetics
Classification: Likely benign for Hereditary cancer-predisposing syndrome. Last evaluated: 2026-06-22. Review status: criteria provided, single submitter. Criteria: Ambry Variant Classification Scheme 2023. Collection method: clinical testing. Allele origin: germline.

Labcorp Genetics (formerly Invitae), Labcorp
Classification: Uncertain significance for Hereditary diffuse gastric adenocarcinoma. Last evaluated: 2021-06-05. Review status: criteria provided, single submitter. Criteria: Invitae Variant Classification Sherloc (09022015). Collection method: clinical testing. Allele origin: germline.
Comment: This sequence change replaces serine with phenylalanine at codon 586 of the CDH1 protein (p.Ser586Phe). The serine residue is moderately conserved and there is a large physicochemical difference between serine and phenylalanine. This variant is not present in population databases (ExAC no frequency) and has not been reported in the literature in individuals with a CDH1-related disease. Algorithms developed to predict the effect of missense changes on protein structure and function output the following: (SIFT: "Tolerated"; PolyPhen-2: "Benign"; Align-GVGD: "Class C0"). The phenylalanine amino acid residue is found in multiple mammalian species, suggesting that this missense change does not adversely affect protein function. These predictions have not been confirmed by published functional studies. In summary, this variant is a rare missense change that is not predicted to affect protein function. There is no indication that it causes disease, but the available evidence is currently insufficient to prove that conclusively. Therefore, it has been classified as a Variant of Uncertain Significance.